The following is an entry in ClinVar:

NM_006180.6(NTRK2):c.1081C>T (p.Leu361=)

Gene: NTRK2 (neurotrophic receptor tyrosine kinase 2; plus strand). Cytogenetic location: 9q21.33.
Variant type: single nucleotide variant.
Coding change: c.1081C>T on transcript NM_006180.6 (MANE Select); coding-DNA position 1081, C replaced by T.
Protein change: p.Leu361=; no amino-acid change (leucine 361 retained).
Molecular consequence: synonymous variant.
Genome position (GRCh38, 1-based): chr9:84,727,881, C>T. VCF-style: chr9-84727881-C-T. GRCh37 (hg19) VCF-style: chr9-87342796-C-T.
Other names: c.1081C>T (NM_006180.4); c.1081C>T, p.Leu361= (NM_001007097.3, NM_001018064.3, NM_001018065.2 and 16 more transcripts); c.1042C>T, p.Leu348= (NM_001291937.2, NM_001369546.1); c.613C>T, p.Leu205= (NM_001369535.1, NM_001369536.1, NM_001369550.1 and 2 more transcripts).
Identifiers: ClinVar variation 1592291 (VCV001592291.10), dbSNP rs149166032, ClinGen allele CA5105620.
Genomic context (GRCh38, chr9:84,727,881, plus strand): 5'-GAGTACCACGGCTGCCTCCAGCTGGATAATCCCACTCACATGAACAATGGGGACTACACT[C>T]TAATAGCCAAGAATGAGTATGGGAAGGATGAGAAACAGATTTCTGCTCACTTCATGGGCT-3'
Protein context (NP_006171.2, residues 351-371): PTHMNNGDYT[Leu361=]IAKNEYGKDE

ClinVar aggregate classification (germline): Likely benign. Review status: criteria provided, single submitter (1 of 4 stars). 2 submissions from 2 submitters: Likely benign (1). 1 of the submissions does not count toward it. Last evaluated 2025-12-16.

Conditions:
NTRK2-related disorder. Also called: NTRK2-related condition.

Allele frequency attached by ClinVar (database versions not stated): ExAC 0.00001; gnomAD exomes 0.00001 and 0.00002; gnomAD 0.00008 and 0.00009; TOPMed 0.00011; ESP Exome Variant Server 0.00015.
gnomAD v4.1: 27 of 1,614,060 alleles (0.0017%); highest among the groups gnomAD compares: African/African-American, 0.035%; no homozygotes.

Submissions (2):

Labcorp Genetics (formerly Invitae), Labcorp
Classification: Likely benign. Last evaluated: 2025-12-16. Review status: criteria provided, single submitter. Criteria: Invitae Variant Classification Sherloc (09022015). Collection method: clinical testing. Allele origin: germline.

PreventionGenetics, part of Exact Sciences
Classification: Likely benign for NTRK2-related condition. Last evaluated: 2019-09-26. Review status: no assertion criteria provided. Collection method: clinical testing. Allele origin: germline. Not counted in ClinVar's aggregate classification.
Comment: This variant is classified as likely benign based on ACMG/AMP sequence variant interpretation guidelines (Richards et al. 2015 PMID: 25741868, with internal and published modifications).